The following is an entry in ClinVar:

NM_000260.4(MYO7A):c.4040G>A (p.Arg1347His)

Gene: MYO7A (myosin VIIA; plus strand). Cytogenetic location: 11q13.5.
Variant type: single nucleotide variant.
Coding change: c.4040G>A on transcript NM_000260.4 (MANE Select); coding-DNA position 4040, G replaced by A.
Protein change: p.Arg1347His; replaces arginine 1347 with histidine.
Molecular consequence: missense variant.
Genome position (GRCh38, 1-based): chr11:77,192,166, G>A. VCF-style: chr11-77192166-G-A. GRCh37 (hg19) VCF-style: chr11-76903211-G-A.
Other names: DFNA11; c.4040G>A, p.Arg1347His (NM_001127180.2); c.4007G>A, p.Arg1336His (NM_001369365.1); short protein forms R1347H, R1336H.
Identifiers: ClinVar variation 836136 (VCV000836136.17), dbSNP rs756324342, ClinGen allele CA6198301.
Genomic context (GRCh38, chr11:77,192,166, plus strand): 5'-AGCAGTACGCCAAGGAGCAGGGCGCCCAGGAGCGCAACGCCCCCTGGAGGCTCTTCTTCC[G>A]CAAAGAGGTCTTCACGCCCTGGCACAGCCCCTCCGAGGACAACGTGGCCACCAACCTCAT-3'
Protein context (NP_000251.3, residues 1337-1357): ERNAPWRLFF[Arg1347His]KEVFTPWHSP

ClinVar aggregate classification (germline): Conflicting classifications of pathogenicity. Review status: criteria provided, conflicting classifications (1 of 4 stars). 7 submissions from 7 submitters: Likely pathogenic (1); Uncertain significance (3). 3 of the submissions do not count toward it. Last evaluated 2025-11-04.

Conditions:
Usher syndrome type 1B (USH1B). Also called: Usher syndrome type IB. Identifiers: MedGen C1848638, MONDO:0700087.
Autosomal dominant nonsyndromic hearing loss 11. Identifiers: Orphanet 90635, MedGen C1832475, MONDO:0011032, OMIM 601317.

Allele frequency attached by ClinVar (database versions not stated): ExAC 0.00001; TOPMed 0.00001; gnomAD exomes 0.00002; gnomAD 0.00004 and 0.00005.
gnomAD v4.1: 32 of 1,613,896 alleles (0.002%); highest among the groups gnomAD compares: Admixed American, 0.0033%; no homozygotes.

Submissions (7):

Dasa
Classification: Uncertain significance. Last evaluated: 2025-11-04. Review status: criteria provided, single submitter. Criteria: DASA Assertion Criteria. Collection method: clinical testing. Allele origin: germline.
Comment: NM_000260.4(MYO7A):c.4040G>A (p.Arg1347His) is a missense variant that results in the substitution of arginine with histidine. This variant is rare in population databases. Computational prediction algorithms are consistent with a deleterious effect. The currently available literature and clinical evidence are not sufficient to establish a definitive association between this variant and the reported condition. Therefore, this variant is classified as a variant of uncertain significance.

Labcorp Genetics (formerly Invitae), Labcorp
Classification: Likely pathogenic. Last evaluated: 2025-10-20. Review status: criteria provided, single submitter. Criteria: Invitae Variant Classification Sherloc (09022015). Collection method: clinical testing. Allele origin: germline.
Comment: This sequence change replaces arginine, which is basic and polar, with histidine, which is basic and polar, at codon 1347 of the MYO7A protein (p.Arg1347His). This variant is present in population databases (rs756324342, gnomAD 0.006%). This variant has not been reported in the literature in individuals affected with MYO7A-related conditions. ClinVar contains an entry for this variant (Variation ID: 836136). Invitae Evidence Modeling of protein sequence and biophysical properties (such as structural, functional, and spatial information, amino acid conservation, physicochemical variation, residue mobility, and thermodynamic stability) indicates that this missense variant is expected to disrupt MYO7A protein function with a positive predictive value of 95%. This variant disrupts the p.Arg1347 amino acid residue in MYO7A. Other variant(s) that disrupt this residue have been determined to be pathogenic (internal data). This suggests that this residue is clinically significant, and that variants that disrupt this residue are likely to be disease-causing. In summary, the currently available evidence indicates that the variant is pathogenic, but additional data are needed to prove that conclusively. Therefore, this variant has been classified as Likely Pathogenic.

Laboratory of Prof. Karen Avraham, Tel Aviv University
Classification: Uncertain significance for Autosomal dominant nonsyndromic hearing loss 11. Last evaluated: 2024-12-26. Review status: criteria provided, single submitter. Criteria: ACMG Guidelines, 2015. Collection method: research. Allele origin: germline. Affected: yes. Observed: 1 variant allele.
Comment: The MYO7A c.4040G>A:p.(Arg1347His) heterozygous variant is very rare and predicted deleterious.

Blueprint Genetics
Classification: Uncertain significance. Last evaluated: 2024-04-08. Review status: criteria provided, single submitter. Criteria: ACMG Guidelines, 2015. Collection method: clinical testing. Allele origin: germline.

Natera, Inc.
Classification: Uncertain significance for Usher syndrome type 1B. Last evaluated: 2020-10-13. Review status: no assertion criteria provided. Collection method: clinical testing. Allele origin: germline. Not counted in ClinVar's aggregate classification.

Clinical Genetics DNA and cytogenetics Diagnostics Lab, Erasmus MC, Erasmus Medical Center
Classification: Uncertain significance. Review status: no assertion criteria provided. Collection method: clinical testing. Allele origin: germline. Affected: yes. Study: VKGL Data-share Consensus. Not counted in ClinVar's aggregate classification.

Joint Genome Diagnostic Labs from Nijmegen and Maastricht, Radboudumc and MUMC+
Classification: Uncertain significance. Review status: no assertion criteria provided. Collection method: clinical testing. Allele origin: germline. Affected: yes. Study: VKGL Data-share Consensus. Not counted in ClinVar's aggregate classification.